The following is an entry in ClinVar:

ClinVar aggregate classification (germline): Benign. Review status: criteria provided, single submitter (1 of 4 stars). 2 submissions from 1 submitter: Benign (2). Last evaluated 2018-01-13.

Conditions:
Ocular cystinosis. Also called: Non-Nephropathic (Ocular) Cystinosis; Non-Nephropathic Cystinosis. Identifiers: Orphanet 213, Orphanet 411641, MedGen C2931013, MONDO:0009064, OMIM 219750.
Nephropathic cystinosis (CTNS). Also called: CYSTINOSIN, DEFECT OF; LYSOSOMAL CYSTINE TRANSPORT PROTEIN, DEFECT OF; Abderhalden Lignac Kaufmann disease; Abderhalden-Kaufmann-Lignac syndrome. Identifiers: Orphanet 213, Orphanet 411629, MedGen C2931187, MONDO:0100151, OMIM 219800.

Allele frequency attached by ClinVar (database versions not stated): gnomAD 0.67203 and 0.67812; TOPMed 0.68774; 1000 Genomes Project 30x 0.74001; 1000 Genomes Project 0.74201.
gnomAD v4.1: 103,037 of 152,022 alleles (68%); highest among the groups gnomAD compares: East Asian, 83%; 35,130 homozygotes.

Submissions (2):

Illumina Laboratory Services, Illumina
Classification: Benign for Ocular cystinosis. Last evaluated: 2018-01-13. Review status: criteria provided, single submitter. Criteria: ICSL Variant Classification Criteria 13 December 2019. Collection method: clinical testing. Allele origin: germline.
Comment: This variant was observed in the ICSL laboratory as part of a predisposition screen in an ostensibly healthy population. It had not been previously curated by ICSL or reported in the Human Gene Mutation Database (HGMD: prior to June 1st, 2018), and was therefore a candidate for classification through an automated scoring system. Utilizing variant allele frequency, disease prevalence and penetrance estimates, and inheritance mode, an automated score was calculated to assess if this variant is too frequent to cause the disease. Based on the score and internal cut-off values, a variant classified as benign is not then subjected to further curation. The score for this variant resulted in a classification of benign for this disease.

Illumina Laboratory Services, Illumina
Classification: Benign for Nephropathic cystinosis. Last evaluated: 2018-01-13. Review status: criteria provided, single submitter. Criteria: ICSL Variant Classification Criteria 13 December 2019. Collection method: clinical testing. Allele origin: germline.
Comment: the same text as in the submission from Illumina Laboratory Services, Illumina above.

NM_004937.3(CTNS):c.*1440A>G

Gene: CTNS (cystinosin, lysosomal cystine transporter; plus strand). Cytogenetic location: 17p13.2.
Variant type: single nucleotide variant.
Coding change: c.*1440A>G on transcript NM_004937.3 (MANE Select); 1440 bases downstream of the stop codon, A replaced by G.
Molecular consequence: 3 prime UTR variant.
Genome position (GRCh38, 1-based): chr17:3,661,809, A>G. VCF-style: chr17-3661809-A-G. GRCh37 (hg19) VCF-style: chr17-3565103-A-G.
Other names: c.*1075A>G (NM_001031681.3, NM_001374492.1); c.*1440A>G (NM_001374493.1, NM_001374494.1, NM_001374495.1 and 1 more transcripts).
Identifiers: ClinVar variation 322892 (VCV000322892.5), dbSNP rs161398, ClinGen allele CA10649975.